The following is an entry in ClinVar:

NM_198576.4(AGRN):c.2338G>A (p.Ala780Thr)

Gene: AGRN (agrin; plus strand). Cytogenetic location: 1p36.33.
Variant type: single nucleotide variant.
Coding change: c.2338G>A on transcript NM_198576.4 (MANE Select); coding-DNA position 2338, G replaced by A.
Protein change: p.Ala780Thr; replaces alanine 780 with threonine.
Molecular consequence: missense variant.
Genome position (GRCh38, 1-based): chr1:1,045,244, G>A. VCF-style: chr1-1045244-G-A. GRCh37 (hg19) VCF-style: chr1-980624-G-A.
Other names: c.2338G>A, p.Ala780Thr (NM_001305275.2); c.2023G>A, p.Ala675Thr (NM_001364727.2); short protein forms A780T, A675T.
Identifiers: ClinVar variation 638447 (VCV000638447.10), dbSNP rs540467706, ClinGen allele CA508580.

ClinVar aggregate classification (germline): Uncertain significance. Review status: criteria provided, multiple submitters, no conflicts (2 of 4 stars). 3 submissions from 3 submitters: Uncertain significance (3). Last evaluated 2022-08-16.

Conditions:
Inborn genetic diseases. Identifiers: MedGen C0950123, MeSH D030342.
Congenital myasthenic syndrome 8. Also called: Myasthenic syndrome, congenital, 8, with pre- and postsynaptic defects; MYASTHENIC SYNDROME, CONGENITAL, DUE TO AGRIN DEFICIENCY. Identifiers: Orphanet 590, MedGen C3808739, MONDO:0014052, OMIM 615120.

Allele frequency attached by ClinVar (database versions not stated): gnomAD 0.00002 and 0.00004; TOPMed 0.00002; gnomAD exomes 0.00009; ExAC 0.00011; 1000 Genomes Project 30x 0.00016; 1000 Genomes Project 0.00020.
gnomAD v4.1: 166 of 1,611,592 alleles (0.01%); highest among the groups gnomAD compares: South Asian, 0.077%; 1 homozygote.

Submissions (3):

Labcorp Genetics (formerly Invitae), Labcorp
Classification: Uncertain significance for Congenital myasthenic syndrome 8. Last evaluated: 2022-08-16. Review status: criteria provided, single submitter. Criteria: Invitae Variant Classification Sherloc (09022015). Collection method: clinical testing. Allele origin: germline.
Comment: This sequence change replaces alanine, which is neutral and non-polar, with threonine, which is neutral and polar, at codon 780 of the AGRN protein (p.Ala780Thr). This variant is present in population databases (rs540467706, gnomAD 0.06%). This variant has not been reported in the literature in individuals affected with AGRN-related conditions. ClinVar contains an entry for this variant (Variation ID: 638447). Algorithms developed to predict the effect of missense changes on protein structure and function are either unavailable or do not agree on the potential impact of this missense change (SIFT: "Tolerated"; PolyPhen-2: "Possibly Damaging"; Align-GVGD: "Class C0"). In summary, the available evidence is currently insufficient to determine the role of this variant in disease. Therefore, it has been classified as a Variant of Uncertain Significance.

Ambry Genetics
Classification: Uncertain significance for Inborn genetic diseases. Last evaluated: 2021-08-12. Review status: criteria provided, single submitter. Criteria: Ambry Variant Classification Scheme 2023. Collection method: clinical testing. Allele origin: germline.

Genomic Research Center, Shahid Beheshti University of Medical Sciences
Classification: Uncertain significance for Myasthenic syndrome, congenital, 8. Last evaluated: 2019-04-27. Review status: criteria provided, single submitter. Criteria: ACMG Guidelines, 2015. Collection method: clinical testing. Allele origin: unknown. Affected: no.